The following is an entry in ClinVar:

ClinVar aggregate classification (germline): Uncertain significance (1 of 4 stars; one submission).

Conditions:
Cardiovascular phenotype. Identifiers: MedGen CN230736.

Submission:

Ambry Genetics
Classification: Uncertain significance for Cardiovascular phenotype. Last evaluated: 2023-10-20. Review status: criteria provided, single submitter. Criteria: Ambry Variant Classification Scheme 2023. Collection method: clinical testing. Allele origin: germline.
Comment: The p.V200M variant (also known as c.598G>A), located in coding exon 6 of the TPM1 gene, results from a G to A substitution at nucleotide position 598. The valine at codon 200 is replaced by methionine, an amino acid with highly similar properties. This amino acid position is conserved. In addition, this alteration is predicted to be deleterious by in silico analysis. Since supporting evidence is limited at this time, the clinical significance of this alteration remains unclear.

NM_001018005.2(TPM1):c.598G>A (p.Val200Met)

Gene: TPM1 (tropomyosin 1; plus strand). Cytogenetic location: 15q22.2.
Variant type: single nucleotide variant.
Coding change: c.598G>A on transcript NM_001018005.2 (MANE Select); coding-DNA position 598, G replaced by A.
Protein change: p.Val200Met; replaces valine 200 with methionine.
Molecular consequence: missense variant. On other transcripts: non-coding transcript variant (16), intron variant (21).
Genome position (GRCh38, 1-based): chr15:63,061,747, G>A. VCF-style: chr15-63061747-G-A. GRCh37 (hg19) VCF-style: chr15-63353946-G-A.
Other names: c.640-468G>A (NM_001018020.2, NM_001407326.1, NM_001407336.1 and 10 more transcripts); c.598G>A, p.Val200Met (NM_001018004.2, NM_001018007.2, NM_001301244.2 and 7 more transcripts); c.490G>A, p.Val164Met (NM_001018008.2, NM_001301289.2, NM_001330346.2 and 3 more transcripts); c.724G>A, p.Val242Met (NM_001365778.1, NM_001407324.1); c.766-468G>A (NM_001407323.1, NM_001407322.1); c.532-468G>A (NM_001330351.2, NM_001330344.2, NM_001365781.2 and 3 more transcripts); short protein forms V164M, V200M, V242M.
Identifiers: ClinVar variation 3232360 (VCV003232360.1), dbSNP rs2140963813, ClinGen allele CA392724181.
Genomic context (GRCh38, chr15:63,061,747, plus strand): 5'-TTTCTGCCTCTGATCGAAAACATTAGCAAATGTGCCGAGCTTGAAGAAGAATTGAAAACT[G>A]TGACGAACAACTTGAAGTCACTGGAGGCTCAGGCTGAGAAGGTAGGCCAGGAGGATGGTG-3'
Protein context (NP_001018005.1, residues 190-210): CAELEEELKT[Val200Met]TNNLKSLEAQ